The following is an entry in ClinVar:

NM_006361.6(HOXB13):c.436G>A (p.Val146Met)

Gene: HOXB13 (homeobox B13; minus strand). Cytogenetic location: 17q21.32.
Variant type: single nucleotide variant.
Coding change: c.436G>A on transcript NM_006361.6 (MANE Select); coding-DNA position 436, G replaced by A.
Protein change: p.Val146Met; replaces valine 146 with methionine.
Molecular consequence: missense variant.
Genome position (GRCh38, 1-based): chr17:48,728,158, C>T on the plus strand (G>A on the coding strand, the complement: HOXB13 is on the minus strand). VCF-style: chr17-48728158-C-T. GRCh37 (hg19) VCF-style: chr17-46805520-C-T.
Other names: p.V146M:GTG>ATG; short protein forms V146M.
Identifiers: ClinVar variation 128033 (VCV000128033.18), dbSNP rs587780162, ClinGen allele CA288230.

ClinVar aggregate classification (germline): Uncertain significance. Review status: criteria provided, multiple submitters, no conflicts (2 of 4 stars). 4 submissions from 4 submitters: Uncertain significance (4). Last evaluated 2026-01-12.

Conditions:
Hereditary cancer-predisposing syndrome. Also called: Hereditary neoplastic syndrome; Neoplastic Syndromes, Hereditary; Hereditary Cancer Syndrome; Tumor predisposition. Identifiers: Orphanet 140162, MedGen C0027672, MeSH D009386, MONDO:0015356.

Allele frequency attached by ClinVar (database versions not stated): TOPMed 0.00001; ExAC 0.00002; gnomAD exomes 0.00002.
gnomAD v4.1: 30 of 1,614,200 alleles (0.0019%); highest among the groups gnomAD compares: Non-Finnish European, 0.0024%; no homozygotes.

Submissions (4):

Labcorp Genetics (formerly Invitae), Labcorp
Classification: Uncertain significance. Last evaluated: 2026-01-12. Review status: criteria provided, single submitter. Criteria: Invitae Variant Classification Sherloc (09022015). Collection method: clinical testing. Allele origin: germline.
Comment: This sequence change replaces valine, which is neutral and non-polar, with methionine, which is neutral and non-polar, at codon 146 of the HOXB13 protein (p.Val146Met). This variant is present in population databases (rs587780162, gnomAD 0.004%). This variant has not been reported in the literature in individuals affected with HOXB13-related conditions. ClinVar contains an entry for this variant (Variation ID: 128033). Invitae Evidence Modeling of protein sequence and biophysical properties (such as structural, functional, and spatial information, amino acid conservation, physicochemical variation, residue mobility, and thermodynamic stability) indicates that this missense variant is not expected to disrupt HOXB13 protein function with a negative predictive value of 80%. In summary, the available evidence is currently insufficient to determine the role of this variant in disease. Therefore, it has been classified as a Variant of Uncertain Significance.

Ambry Genetics
Classification: Uncertain significance for Hereditary cancer-predisposing syndrome. Last evaluated: 2025-10-28. Review status: criteria provided, single submitter. Criteria: Ambry Variant Classification Scheme 2023. Collection method: clinical testing. Allele origin: germline.
Comment: The p.V146M variant (also known as c.436G>A), located in coding exon 1 of the HOXB13 gene, results from a G to A substitution at nucleotide position 436. The valine at codon 146 is replaced by methionine, an amino acid with highly similar properties. This amino acid position is well conserved in available vertebrate species. In addition, this alteration is predicted to be tolerated by in silico analysis. Since supporting evidence is limited at this time, the clinical significance of this alteration remains unclear.

Quest Diagnostics Nichols Institute San Juan Capistrano
Classification: Uncertain significance. Last evaluated: 2024-09-18. Review status: criteria provided, single submitter. Criteria: Quest Diagnostics criteria. Collection method: clinical testing. Allele origin: unknown.
Comment: The HOXB13 c.436G>A (p.Val146Met) variant has not been reported in individuals with HOXB13-related conditions in the published literature. The frequency of this variant in the general population, 0.000026 (3/113766 chromosomes (Genome Aggregation Database)), is uninformative in the assessment of its pathogenicity. Analysis of this variant using bioinformatics tools for the prediction of the effect of amino acid changes on protein structure and function yielded conflicting predictions that this variant is benign or damaging. Based on the available information, we are unable to determine the clinical significance of this variant.

GeneDx
Classification: Uncertain significance. Last evaluated: 2019-08-22. Review status: criteria provided, single submitter. Criteria: GeneDx Variant Classification Process June 2021. Collection method: clinical testing. Allele origin: germline. Affected: yes.
Comment: Not observed at a significant frequency in large population cohorts (Lek 2016); In silico analysis, which includes protein predictors and evolutionary conservation, supports that this variant does not alter protein structure/function; Has not been previously published as pathogenic or benign to our knowledge; This variant is associated with the following publications: (PMID: 28272408)

Literature cited by the submitters: PubMed 28272408 (cited by Ambry Genetics).